The following is an entry in ClinVar:

ClinVar aggregate classification (germline): Conflicting classifications of pathogenicity. Review status: criteria provided, conflicting classifications (1 of 4 stars). 3 submissions from 3 submitters: Uncertain significance (2); Likely benign (1). Last evaluated 2020-06-08.

Conditions:
Cardiomyopathy (CMYO). Also called: Cardiomyopathies. Identifiers: Orphanet 167848, MedGen C0878544, MONDO:0004994, HP:0001638. Inheritance: Various modes of inheritance.

Allele frequency attached by ClinVar (database versions not stated): TOPMed 0.00005; gnomAD 0.00004; gnomAD exomes 0.00002.
gnomAD v4.1: 16 of 1,613,534 alleles (0.00099%); highest among the groups gnomAD compares: Admixed American, 0.027%; no homozygotes.

Submissions (3):

CHEO Genetics Diagnostic Laboratory, Children's Hospital of Eastern Ontario
Classification: Uncertain significance for Cardiomyopathy. Last evaluated: 2020-06-08. Review status: criteria provided, single submitter. Criteria: ACMG Guidelines, 2015. Collection method: clinical testing. Allele origin: germline.

Laboratory for Molecular Medicine, Mass General Brigham Personalized Medicine
Classification: Likely benign. Last evaluated: 2018-05-03. Review status: criteria provided, single submitter. Criteria: LMM Criteria. Collection method: clinical testing. Allele origin: germline. Observed: 1 variant allele.
Comment: proposed classification - variant undergoing re-assessment, contact laboratory

Eurofins Ntd Llc (ga)
Classification: Uncertain significance. Last evaluated: 2014-04-30. Review status: criteria provided, single submitter. Criteria: EGL Classification Definitions 2015. Collection method: clinical testing. Allele origin: germline. Observed: 1 variant allele, 1 heterozygote.

NM_001267550.2(TTN):c.3680A>G (p.Lys1227Arg)

Gene: TTN (titin; minus strand). Cytogenetic location: 2q31.2.
Variant type: single nucleotide variant.
Coding change: c.3680A>G on transcript NM_001267550.2 (MANE Select); coding-DNA position 3680, A replaced by G.
Protein change: p.Lys1227Arg; replaces lysine 1227 with arginine.
Molecular consequence: missense variant.
Genome position (GRCh38, 1-based): chr2:178,780,049, T>C on the plus strand (A>G on the coding strand, the complement: TTN is on the minus strand). VCF-style: chr2-178780049-T-C. GRCh37 (hg19) VCF-style: chr2-179644776-T-C.
Other names: c.3680A>G, p.Lys1227Arg (NM_133378.4, NM_001256850.1, NM_133379.5); c.3542A>G, p.Lys1181Arg (NM_003319.4, NM_133432.3, NM_133437.4); short protein forms K1227R, K1181R.
Identifiers: ClinVar variation 167808 (VCV000167808.11), dbSNP rs541811273, ClinGen allele CA185269.